The following is an entry in ClinVar:

NM_016492.5(RANGRF):c.356C>A (p.Ala119Glu)

Genes: RANGRF (RAN guanine nucleotide release factor; plus strand), SLC25A35 (solute carrier family 25 member 35; minus strand). Cytogenetic location: 17p13.1.
Variant type: single nucleotide variant.
Coding change: c.356C>A on transcript NM_016492.5 (MANE Select); coding-DNA position 356, C replaced by A.
Protein change: p.Ala119Glu; replaces alanine 119 with glutamic acid.
Molecular consequence: missense variant. On other transcripts: 3 prime UTR variant (1), non-coding transcript variant (1), intron variant (3).
Genome position (GRCh38, 1-based): chr17:8,289,507, C>A. VCF-style: chr17-8289507-C-A. GRCh37 (hg19) VCF-style: chr17-8192825-C-A.
Other names: c.356C>A, p.Ala119Glu (NM_001177801.2); c.444C>A, p.Ser148Arg (NM_001177802.2); c.*109G>T (NM_201520.3); c.*42+67G>T (NM_001320871.2, NM_001320872.2); c.351+93C>A (NM_001330127.2); short protein forms A119E, S148R.
Identifiers: ClinVar variation 2965903 (VCV002965903.4), dbSNP rs371382956, ClinGen allele CA8374403.
Genomic context (GRCh38, chr17:8,289,507, plus strand): 5'-GGGCGGTAGCGGGGACGCAGAGATCCAGGTAAGCATCCTGACTCTGATCCCCTTAGGTAG[C>A]AAAGGACGTGACACTTCATCAGGCCTTGCTGAGGCTGCCCCAGTACCAGACTGATCTCTT-3'
Protein context (NP_057576.2, residues 109-129): QQIAKENQQV[Ala119Glu]KDVTLHQALL

ClinVar aggregate classification (germline): Uncertain significance. Review status: criteria provided, multiple submitters, no conflicts (2 of 4 stars). 2 submissions from 2 submitters: Uncertain significance (2). Last evaluated 2025-08-26.

Conditions:
Cardiac arrhythmia. Also called: Cardiac rhythm disease; Arrhythmia. Identifiers: MedGen C0003811, MONDO:0007263, HP:0011675.

Allele frequency attached by ClinVar (database versions not stated): ESP Exome Variant Server 0.00008; gnomAD exomes 0.00001; gnomAD 0.00007; ExAC 0.00001; TOPMed 0.00005.
gnomAD v4.1: 30 of 1,614,056 alleles (0.0019%); highest among the groups gnomAD compares: Admixed American, 0.025%; no homozygotes.

Submissions (2):

Ambry Genetics
Classification: Uncertain significance. Last evaluated: 2025-08-26. Review status: criteria provided, single submitter. Criteria: Ambry Variant Classification Scheme 2023. Collection method: clinical testing. Allele origin: germline.

Labcorp Genetics (formerly Invitae), Labcorp
Classification: Uncertain significance for Cardiac arrhythmia. Last evaluated: 2024-06-04. Review status: criteria provided, single submitter. Criteria: Invitae Variant Classification Sherloc (09022015). Collection method: clinical testing. Allele origin: germline.
Comment: This sequence change replaces alanine, which is neutral and non-polar, with glutamic acid, which is acidic and polar, at codon 119 of the RANGRF protein (p.Ala119Glu). This variant is present in population databases (rs371382956, gnomAD 0.01%). This variant has not been reported in the literature in individuals affected with RANGRF-related conditions. Algorithms developed to predict the effect of missense changes on protein structure and function output the following: SIFT: "Not Available"; PolyPhen-2: "Benign"; Align-GVGD: "Not Available". The glutamic acid amino acid residue is found in multiple mammalian species, which suggests that this missense change does not adversely affect protein function. In summary, the available evidence is currently insufficient to determine the role of this variant in disease. Therefore, it has been classified as a Variant of Uncertain Significance.